The following is an entry in ClinVar:

ClinVar aggregate classification (germline): Uncertain significance. Review status: criteria provided, multiple submitters, no conflicts (2 of 4 stars). 2 submissions from 2 submitters: Uncertain significance (2). Last evaluated 2026-04-21.

Conditions:
Dilated cardiomyopathy 1G (CMD1G). Identifiers: Orphanet 154, MedGen C1858763, MONDO:0011400, OMIM 604145.
Autosomal recessive limb-girdle muscular dystrophy type 2J (LGMDR10). Also called: MUSCULAR DYSTROPHY, LIMB-GIRDLE, AUTOSOMAL RECESSIVE 10; Limb-girdle muscular dystrophy, type 2J. Identifiers: Orphanet 140922, MedGen C1837342, MONDO:0012127, OMIM 608807.
TTN-related disorder. Also called: TTN-related disorders; TTN-related condition; TTN-related disease.

Submissions (2):

PreventionGenetics, part of Exact Sciences
Classification: Uncertain significance for TTN-related condition. Last evaluated: 2026-04-21. Review status: criteria provided, single submitter. Criteria: ACMG Guidelines, 2015. Collection method: clinical testing. Allele origin: germline.
Comment: The TTN c.101965C>T variant is predicted to result in the amino acid substitution p.His33989Tyr. To our knowledge, this variant has not been reported in the literature. This variant is reported in 0.0058% of alleles in individuals of Latino descent in gnomAD. At this time, the clinical significance of this variant is uncertain due to the absence of conclusive functional and genetic evidence.

Labcorp Genetics (formerly Invitae), Labcorp
Classification: Uncertain significance for Dilated cardiomyopathy 1G; Autosomal recessive limb-girdle muscular dystrophy type 2J. Last evaluated: 2025-02-19. Review status: criteria provided, single submitter. Criteria: Invitae Variant Classification Sherloc (09022015). Collection method: clinical testing. Allele origin: germline.
Comment: This sequence change replaces histidine, which is basic and polar, with tyrosine, which is neutral and polar, at codon 33989 of the TTN protein (p.His33989Tyr). This variant is present in population databases (no rsID available, gnomAD 0.006%). This variant has not been reported in the literature in individuals affected with TTN-related conditions. Experimental studies and prediction algorithms are not available or were not evaluated, and the functional significance of this variant is currently unknown. This variant is located in the M band of TTN (PMID: 25589632). Non-truncating variants in this region may be relevant for neuromuscular disorders, but have not been definitively shown to cause cardiomyopathy (PMID: 23975875). In summary, the available evidence is currently insufficient to determine the role of this variant in disease. Therefore, it has been classified as a Variant of Uncertain Significance.

Literature cited by the submitters: PubMed 25589632 (cited by Labcorp Genetics (formerly Invitae), Labcorp); PubMed 23975875 (cited by Labcorp Genetics (formerly Invitae), Labcorp).

NM_001267550.2(TTN):c.101965C>T (p.His33989Tyr)

Genes: TTN (titin; minus strand), TTN-AS1 (TTN antisense RNA 1; plus strand). Cytogenetic location: 2q31.2.
Variant type: single nucleotide variant.
Coding change: c.101965C>T on transcript NM_001267550.2 (MANE Select); coding-DNA position 101965, C replaced by T.
Protein change: p.His33989Tyr; replaces histidine 33989 with tyrosine.
Molecular consequence: missense variant.
Genome position (GRCh38, 1-based): chr2:178,534,650, G>A on the plus strand (C>T on the coding strand, the complement: TTN is on the minus strand). VCF-style: chr2-178534650-G-A. GRCh37 (hg19) VCF-style: chr2-179399377-G-A.
Other names: c.97042C>T, p.His32348Tyr (NM_001256850.1); c.74770C>T, p.His24924Tyr (NM_003319.4); c.94261C>T, p.His31421Tyr (NM_133378.4); c.75145C>T, p.His25049Tyr (NM_133432.3); c.75346C>T, p.His25116Tyr (NM_133437.4); short protein forms H25049Y, H25116Y, H31421Y, H32348Y, H33989Y, H24924Y.
Identifiers: ClinVar variation 4790118 (VCV004790118.2).